The following is an entry in ClinVar:

NM_001379270.1(CNGA1):c.148G>T (p.Glu50Ter)

Genes: CNGA1 (cyclic nucleotide gated channel subunit alpha 1; minus strand), LOC101927157 (uncharacterized LOC101927157; plus strand). Cytogenetic location: 4p12.
Variant type: single nucleotide variant.
Coding change: c.148G>T on transcript NM_001379270.1 (MANE Select); coding-DNA position 148, G replaced by T.
Protein change: p.Glu50Ter; replaces glutamic acid 50 with a stop codon.
Molecular consequence: nonsense.
Genome position (GRCh38, 1-based): chr4:47,951,429, C>A on the plus strand (G>T on the coding strand, the complement: CNGA1 is on the minus strand). VCF-style: chr4-47951429-C-A. GRCh37 (hg19) VCF-style: chr4-47953446-C-A.
Other names: c.148G>T, p.Glu50Ter (NM_000087.5, NM_001142564.2); short protein forms E50*.
Identifiers: ClinVar variation 1451700 (VCV001451700.6), dbSNP rs2110157889, ClinGen allele CA356835456.
Genomic context (GRCh38, chr4:47,951,429, plus strand): 5'-CCTTTCTGAGTGACTTATAACTAAAGGAACCCCTTGCATGAGGGTTTTCATTCTCTGATT[C>A]TTCAGATGTAGAGGCACTGTCATCATCCTCAGAAAAGGAGCTACAGTCCAATAGGAGGCA-3'

ClinVar aggregate classification (germline): Pathogenic (1 of 4 stars; one submission).

Allele frequency attached by ClinVar (database versions not stated): gnomAD exomes 0.00001.
gnomAD v4.1: 9 of 1,613,742 alleles (0.00056%); highest among the groups gnomAD compares: Non-Finnish European, 0.00076%; no homozygotes.

Submission:

Labcorp Genetics (formerly Invitae), Labcorp
Classification: Pathogenic. Last evaluated: 2026-01-24. Review status: criteria provided, single submitter. Criteria: Invitae Variant Classification Sherloc (09022015). Collection method: clinical testing. Allele origin: germline.
Comment: This sequence change creates a premature translational stop signal (p.Glu54*) in the CNGA1 gene. It is expected to result in an absent or disrupted protein product. Loss-of-function variants in CNGA1 are known to be pathogenic (PMID: 7479749, 25268133). This variant is not present in population databases (gnomAD no frequency). This variant has not been reported in the literature in individuals affected with CNGA1-related conditions. ClinVar contains an entry for this variant (Variation ID: 1451700). Algorithms developed to predict the effect of sequence changes on RNA splicing suggest that this variant may disrupt the consensus splice site. For these reasons, this variant has been classified as Pathogenic.

Literature cited by the submitters: PubMed 7479749; PubMed 25268133.